The following is an entry in ClinVar:

ClinVar aggregate classification (germline): Uncertain significance (1 of 4 stars; one submission).

Allele frequency attached by ClinVar (database versions not stated): gnomAD exomes 0.00002; TOPMed 0.00004; gnomAD 0.00005 and 0.00006.
gnomAD v4.1: 26 of 1,610,394 alleles (0.0016%); highest among the groups gnomAD compares: African/African-American, 0.0094%; 1 homozygote.

Submission:

Labcorp Genetics (formerly Invitae), Labcorp
Classification: Uncertain significance. Last evaluated: 2022-11-01. Review status: criteria provided, single submitter. Criteria: Invitae Variant Classification Sherloc (09022015). Collection method: clinical testing. Allele origin: germline.
Comment: This sequence change replaces arginine, which is basic and polar, with tryptophan, which is neutral and slightly polar, at codon 3156 of the SZT2 protein (p.Arg3156Trp). This variant is present in population databases (no rsID available, gnomAD 0.002%). This variant has not been reported in the literature in individuals affected with SZT2-related conditions. ClinVar contains an entry for this variant (Variation ID: 958368). Advanced modeling of protein sequence and biophysical properties (such as structural, functional, and spatial information, amino acid conservation, physicochemical variation, residue mobility, and thermodynamic stability) performed at Invitae indicates that this missense variant is not expected to disrupt SZT2 protein function. In summary, the available evidence is currently insufficient to determine the role of this variant in disease. Therefore, it has been classified as a Variant of Uncertain Significance.

NM_001365999.1(SZT2):c.9637C>T (p.Arg3213Trp)

Genes: SZT2 (SZT2 subunit of KICSTOR complex; plus strand), SZT2-AS1 (SZT2 antisense RNA 1; minus strand). Cytogenetic location: 1p34.2.
Variant type: single nucleotide variant.
Coding change: c.9637C>T on transcript NM_001365999.1 (MANE Select); coding-DNA position 9637, C replaced by T.
Protein change: p.Arg3213Trp; replaces arginine 3213 with tryptophan.
Molecular consequence: missense variant. On other transcripts: non-coding transcript variant (1).
Genome position (GRCh38, 1-based): chr1:43,448,152, C>T. VCF-style: chr1-43448152-C-T. GRCh37 (hg19) VCF-style: chr1-43913823-C-T.
Other names: c.9466C>T, p.Arg3156Trp (NM_015284.4); short protein forms R3156W, R3213W.
Identifiers: ClinVar variation 958368 (VCV000958368.5), dbSNP rs1483282139, ClinGen allele CA340043943.